The following is an entry in ClinVar:

NM_001042492.3(NF1):c.3459del (p.Asn1154fs)

Gene: NF1 (neurofibromin 1; plus strand). Cytogenetic location: 17q11.2.
Variant type: Deletion.
Coding change: c.3459del on transcript NM_001042492.3 (MANE Select); coding-DNA position 3459, one base deleted (C; older notation c.3459delC).
Protein change: p.Asn1154fs; shifts the reading frame from asparagine 1154.
Molecular consequence: frameshift variant.
Genome position (GRCh38, 1-based): chr17:31,232,844, C deleted. VCF-style (leftmost placement, unchanged base first): chr17-31232843-TC-T. GRCh37 (hg19) VCF-style: chr17-29559861-TC-T.
Other names: c.3459del, p.Asn1154fs (NM_000267.4); short protein forms N1154fs.
Identifiers: ClinVar variation 4727897 (VCV004727897.1).
Genomic context (GRCh38, chr17:31,232,843, plus strand): 5'-GCATGTCTCGGAGGCTGGCATCACTGAGGCACTGTACGGTCCTTGCAATGTCAAACTTAC[TC>T]AATGCCAACGTAGACAGTGGTCTCATGCACTCCATAGGTGAGATCAAATGAAAGTTTCAT-3'

ClinVar aggregate classification (germline): Pathogenic (1 of 4 stars; one submission).

Conditions:
Neurofibromatosis, type 1 (NF1). Also called: NEUROFIBROMATOSIS, TYPE I, SOMATIC; VON RECKLINGHAUSEN DISEASE; Peripheral type neurofibromatosis; Neurofibromatosis, type I. Identifiers: Orphanet 636, MedGen C0027831, MONDO:0018975, OMIM 162200. Disease mechanism: loss of function.

Submission:

Labcorp Genetics (formerly Invitae), Labcorp
Classification: Pathogenic for Neurofibromatosis, type 1. Last evaluated: 2025-09-27. Review status: criteria provided, single submitter. Criteria: Invitae Variant Classification Sherloc (09022015). Collection method: clinical testing. Allele origin: germline.
Comment: This sequence change creates a premature translational stop signal (p.Asn1154Metfs*4) in the NF1 gene. It is expected to result in an absent or disrupted protein product. Loss-of-function variants in NF1 are known to be pathogenic (PMID: 10712197, 23913538). This variant is not present in population databases (gnomAD no frequency). This variant has not been reported in the literature in individuals affected with NF1-related conditions. Algorithms developed to predict the effect of sequence changes on RNA splicing suggest that this variant may disrupt the consensus splice site. For these reasons, this variant has been classified as Pathogenic.

Literature cited by the submitters: PubMed 10712197; PubMed 23913538.